The following is an entry in ClinVar:

NM_014727.3(KMT2B):c.2244C>G (p.Leu748=)

Gene: KMT2B (lysine methyltransferase 2B; plus strand). Cytogenetic location: 19q13.12.
Variant type: single nucleotide variant.
Coding change: c.2244C>G on transcript NM_014727.3 (MANE Select); coding-DNA position 2244, C replaced by G.
Protein change: p.Leu748=; no amino-acid change (leucine 748 retained).
Molecular consequence: synonymous variant.
Genome position (GRCh38, 1-based): chr19:35,721,591, C>G. VCF-style: chr19-35721591-C-G. GRCh37 (hg19) VCF-style: chr19-36212493-C-G.
Identifiers: ClinVar variation 3389282 (VCV003389282.15).

ClinVar aggregate classification (germline): Benign/Likely benign. Review status: criteria provided, multiple submitters, no conflicts (2 of 4 stars). 2 submissions from 2 submitters: Benign (1); Likely benign (1). Last evaluated 2025-02-17.

Submissions (2):

Labcorp Genetics (formerly Invitae), Labcorp
Classification: Benign. Last evaluated: 2025-02-17. Review status: criteria provided, single submitter. Criteria: Invitae Variant Classification Sherloc (09022015). Collection method: clinical testing. Allele origin: germline.

CeGaT Center for Human Genetics Tuebingen
Classification: Likely benign. Last evaluated: 2024-10-01. Review status: criteria provided, single submitter. Criteria: CeGaT Center For Human Genetics Tuebingen Variant Classification Criteria Version 2. Collection method: clinical testing. Allele origin: germline. Affected: yes. Observed: 1 variant allele.
Comment: KMT2B: BP4, BP7